The following is an entry in ClinVar:

NM_144666.3(DNHD1):c.8909A>G (p.Tyr2970Cys)

Gene: DNHD1 (dynein heavy chain domain 1; plus strand). Cytogenetic location: 11p15.4.
Variant type: single nucleotide variant.
Coding change: c.8909A>G on transcript NM_144666.3 (MANE Select); coding-DNA position 8909, A replaced by G.
Protein change: p.Tyr2970Cys; replaces tyrosine 2970 with cysteine.
Molecular consequence: missense variant.
Genome position (GRCh38, 1-based): chr11:6,558,204, A>G. VCF-style: chr11-6558204-A-G. GRCh37 (hg19) VCF-style: chr11-6579434-A-G.
Other names: short protein forms Y2970C.
Identifiers: ClinVar variation 1334452 (VCV001334452.3), dbSNP rs187626415, ClinGen allele CA5856339.

ClinVar aggregate classification (germline): Uncertain significance. Review status: criteria provided, single submitter (1 of 4 stars). 2 submissions from 2 submitters: Uncertain significance (1). 1 of the submissions does not count toward it.

Conditions:
Spermatogenic failure 65 (SPGF65). Identifiers: MedGen C5562067, MONDO:0030531, OMIM 619712.

Allele frequency attached by ClinVar (database versions not stated): gnomAD exomes 0.00002 and 0.00014; gnomAD 0.00004 and 0.00002; ExAC 0.00005; TOPMed 0.00012; 1000 Genomes Project 0.00060; 1000 Genomes Project 30x 0.00078.
gnomAD v4.1: 36 of 1,551,690 alleles (0.0023%); highest among the groups gnomAD compares: East Asian, 0.083%; no homozygotes.

Submissions (2):

Juno Genomics, Hangzhou Juno Genomics, Inc
Classification: Uncertain significance for Spermatogenic failure 65. Review status: criteria provided, single submitter. Criteria: ACMG Guidelines, 2015. Collection method: clinical testing. Allele origin: germline.
Comment: Absent from controls (or at extremely low frequency if recessive) in Genome Aggregation Database.;Missense variant in a gene that has a low rate of benign missense variation.;For recessive disorders, detected in trans with a pathogenic variant.;Patient's phenotype or family history is highly specific for a disease with a single genetic etiology.

OMIM
Classification: Pathogenic for SPERMATOGENIC FAILURE 65. Last evaluated: 2022-01-19. Review status: no assertion criteria provided. Collection method: literature only. Allele origin: germline. Not counted in ClinVar's aggregate classification.

Literature cited by the submitters: PubMed 34932939 (cited by OMIM).